The following is an entry in ClinVar:

ClinVar aggregate classification (germline): Uncertain significance (1 of 4 stars; one submission).

Allele frequency attached by ClinVar (database versions not stated): gnomAD exomes below 0.00001 and 0.00001; gnomAD 0.00001; TOPMed 0.00001.
gnomAD v4.1: 11 of 1,613,722 alleles (0.00068%); highest among the groups gnomAD compares: Middle Eastern, 0.066%; no homozygotes.

Submission:

Labcorp Genetics (formerly Invitae), Labcorp
Classification: Uncertain significance. Last evaluated: 2021-09-02. Review status: criteria provided, single submitter. Criteria: Invitae Variant Classification Sherloc (09022015). Collection method: clinical testing. Allele origin: germline.
Comment: This sequence change replaces tyrosine with cysteine at codon 1510 of the PCLO protein (p.Tyr1510Cys). The tyrosine residue is moderately conserved and there is a large physicochemical difference between tyrosine and cysteine. This variant is not present in population databases (ExAC no frequency). This variant has not been reported in the literature in individuals affected with PCLO-related conditions. Algorithms developed to predict the effect of missense changes on protein structure and function are either unavailable or do not agree on the potential impact of this missense change (SIFT: "Deleterious"; PolyPhen-2: "Not Available"; Align-GVGD: "Class C0"). In summary, the available evidence is currently insufficient to determine the role of this variant in disease. Therefore, it has been classified as a Variant of Uncertain Significance.

NM_033026.6(PCLO):c.4529A>G (p.Tyr1510Cys)

Gene: PCLO (piccolo presynaptic cytomatrix protein; minus strand). Cytogenetic location: 7q21.11.
Variant type: single nucleotide variant.
Coding change: c.4529A>G on transcript NM_033026.6 (MANE Select); coding-DNA position 4529, A replaced by G.
Protein change: p.Tyr1510Cys; replaces tyrosine 1510 with cysteine.
Molecular consequence: missense variant.
Genome position (GRCh38, 1-based): chr7:82,956,424, T>C on the plus strand (A>G on the coding strand, the complement: PCLO is on the minus strand). VCF-style: chr7-82956424-T-C. GRCh37 (hg19) VCF-style: chr7-82585740-T-C.
Other names: c.4529A>G, p.Tyr1510Cys (NM_014510.3); short protein forms Y1510C.
Identifiers: ClinVar variation 1435646 (VCV001435646.5), dbSNP rs1212645352, ClinGen allele CA367926565.
Genomic context (GRCh38, chr7:82,956,424, plus strand): 5'-CTTCGTTTTCTTTGTGGAACAGGTGAGTTTTCACTTTCACTACTCTCTTCAACTGAATCA[T>C]AAGGCTCTCTTCTAGTAGTTATGTCATCAACAAACTCAGACTTCTCTTTATGGTCCTTGC-3'
Protein context (NP_149015.2, residues 1500-1520): VDDITTRREP[Tyr1510Cys]DSVEESSESE